The following is an entry in ClinVar:

ClinVar aggregate classification (germline): Uncertain significance (1 of 4 stars; one submission).

Submission:

GeneDx
Classification: Uncertain significance. Last evaluated: 2026-02-18. Review status: criteria provided, single submitter. Criteria: GeneDx Variant Classification Process June 2021. Collection method: clinical testing. Allele origin: germline.
Comment: Not observed at significant frequency in large population cohorts (gnomAD); In silico analysis supports that this missense variant has a deleterious effect on protein structure/function; Has not been previously published as pathogenic or benign to our knowledge; This variant is associated with the following publications: (PMID: 20473311)

NM_001111125.3(IQSEC2):c.3154G>C (p.Gly1052Arg)

Gene: IQSEC2 (IQ motif and Sec7 domain ArfGEF 2; minus strand). Cytogenetic location: Xp11.22.
Variant type: single nucleotide variant.
Coding change: c.3154G>C on transcript NM_001111125.3 (MANE Select); coding-DNA position 3154, G replaced by C.
Protein change: p.Gly1052Arg; replaces glycine 1052 with arginine.
Molecular consequence: missense variant.
Genome position (GRCh38, 1-based): chrX:53,238,268, C>G on the plus strand (G>C on the coding strand, the complement: IQSEC2 is on the minus strand). VCF-style: chrX-53238268-C-G. GRCh37 (hg19) VCF-style: chrX-53267450-C-G.
Other names: c.3154G>C, p.Gly1052Arg (NM_001410736.1, NM_001441092.1); c.2656G>C, p.Gly886Arg (NM_001441093.1); c.2443G>C, p.Gly815Arg (NM_001441094.1, NM_001441095.1); c.2539G>C, p.Gly847Arg (NM_015075.2); short protein forms G847R, G886R, G815R, G1052R.
Identifiers: ClinVar variation 5009730 (VCV005009730.1).